The following is an entry in ClinVar:

NM_000124.4(ERCC6):c.2513C>G (p.Ser838Cys)

Gene: ERCC6 (ERCC excision repair 6, chromatin remodeling factor; minus strand). Cytogenetic location: 10q11.23.
Variant type: single nucleotide variant.
Coding change: c.2513C>G on transcript NM_000124.4 (MANE Select); coding-DNA position 2513, C replaced by G.
Protein change: p.Ser838Cys; replaces serine 838 with cysteine.
Molecular consequence: missense variant.
Genome position (GRCh38, 1-based): chr10:49,474,112, G>C on the plus strand (C>G on the coding strand, the complement: ERCC6 is on the minus strand). VCF-style: chr10-49474112-G-C. GRCh37 (hg19) VCF-style: chr10-50682158-G-C.
Other names: c.2513C>G, p.Ser838Cys (NM_001346440.2); short protein forms S838C.
Identifiers: ClinVar variation 1914681 (VCV001914681.2), dbSNP rs976745111, ClinGen allele CA206587971.
Genomic context (GRCh38, chr10:49,474,112, plus strand): 5'-ACTCGCTGACCCTGCTTGTGCCATATTTTCAACAAAGACTCAACAACAATCATTTTCCCA[G>C]AACGTTTCCAGTACCCAAACTGATCTTCTTCTAGTTCATCATCAGGAAGACCTTTGAGAT-3'
Protein context (NP_000115.1, residues 828-848): EEDQFGYWKR[Ser838Cys]GKMIVVESLL

ClinVar aggregate classification (germline): Uncertain significance (1 of 4 stars; one submission).

Allele frequency attached by ClinVar (database versions not stated): gnomAD exomes below 0.00001.
gnomAD v4.1: 1 of 1,614,098 alleles (0.000062%); highest among the groups gnomAD compares: African/African-American, 0.0013%; no homozygotes.

Submission:

Labcorp Genetics (formerly Invitae), Labcorp
Classification: Uncertain significance. Last evaluated: 2022-04-21. Review status: criteria provided, single submitter. Criteria: Invitae Variant Classification Sherloc (09022015). Collection method: clinical testing. Allele origin: germline.
Comment: This sequence change replaces serine, which is neutral and polar, with cysteine, which is neutral and slightly polar, at codon 838 of the ERCC6 protein (p.Ser838Cys). This variant is not present in population databases (gnomAD no frequency). This variant has not been reported in the literature in individuals affected with ERCC6-related conditions. Algorithms developed to predict the effect of missense changes on protein structure and function (SIFT, PolyPhen-2, Align-GVGD) all suggest that this variant is likely to be disruptive. In summary, the available evidence is currently insufficient to determine the role of this variant in disease. Therefore, it has been classified as a Variant of Uncertain Significance.